The following is an entry in ClinVar:

ClinVar aggregate classification (germline): Uncertain significance (1 of 4 stars; one submission).

Conditions:
Glycogen storage disease, type II (IOPD). Also called: Pompe Disease; CARDIOMEGALIA GLYCOGENICA DIFFUSA; GLYCOGENOSIS, GENERALIZED, CARDIAC FORM; GSD II; POMPE DISEASE, INFANTILE-ONSET; GLYCOGEN STORAGE DISEASE II, INFANTILE-ONSET. Identifiers: Orphanet 365, MedGen C0017921, MONDO:0009290, OMIM 232300.

Submission:

Genomenon, Inc
Classification: Uncertain significance for Glycogen storage disease, type II. Last evaluated: 2026-07-01. Review status: criteria provided, single submitter. Criteria: Genomenon Sequence Variant Interpretation Standards - Updated. Collection method: curation. Allele origin: germline. Affected: yes.
Comment: GAA p.Gly648Arg (c.1942G>C) is a missense variant that changes the amino acid at codon 648 from Glycine to Arginine. This variant has been observed in at least one proband with a GAA-related disorder (PMID:40225932). The presence of pathogenic/likely pathogenic missense variant(s) at the same amino acid position indicates that this residue is likely important for protein function. It is absent or not present at a significant frequency in gnomAD. In silico models predict that this variant is possibly or probably damaging. In conclusion, we classify GAA p.Gly648Arg (c.1942G>C) as a variant of uncertain significance.

Literature cited by the submitters: PubMed 40225932.

NM_000152.5(GAA):c.1942G>C (p.Gly648Arg)

Gene: GAA (alpha glucosidase; plus strand). Cytogenetic location: 17q25.3.
Variant type: single nucleotide variant.
Coding change: c.1942G>C on transcript NM_000152.5 (MANE Select); coding-DNA position 1942, G replaced by C.
Protein change: p.Gly648Arg; replaces glycine 648 with arginine.
Molecular consequence: missense variant.
Genome position (GRCh38, 1-based): chr17:80,112,929, G>C. VCF-style: chr17-80112929-G-C. GRCh37 (hg19) VCF-style: chr17-78086728-G-C.
Other names: c.1942G>C, p.Gly648Arg (NM_001079803.3, NM_001079804.3, NM_001406741.1 and 1 more transcripts); short protein forms G648R.
Identifiers: ClinVar variation 4876526 (VCV004876526.1).